The following is an entry in ClinVar:

ClinVar aggregate classification (germline): Uncertain significance. Review status: criteria provided, multiple submitters, no conflicts (2 of 4 stars). 2 submissions from 2 submitters: Uncertain significance (2). Last evaluated 2024-01-08.

Conditions:
Inborn genetic diseases. Identifiers: MedGen C0950123, MeSH D030342.

Allele frequency attached by ClinVar (database versions not stated): gnomAD exomes 0.00001; ExAC 0.00002; gnomAD 0.00002; TOPMed 0.00003.

Submissions (2):

Ambry Genetics
Classification: Uncertain significance for Inborn genetic diseases. Last evaluated: 2024-01-08. Review status: criteria provided, single submitter. Criteria: Ambry Variant Classification Scheme 2023. Collection method: clinical testing. Allele origin: germline.

Labcorp Genetics (formerly Invitae), Labcorp
Classification: Uncertain significance. Last evaluated: 2022-05-20. Review status: criteria provided, single submitter. Criteria: Invitae Variant Classification Sherloc (09022015). Collection method: clinical testing. Allele origin: germline.
Comment: This variant has not been reported in the literature in individuals affected with RIN2-related conditions. In summary, the available evidence is currently insufficient to determine the role of this variant in disease. Therefore, it has been classified as a Variant of Uncertain Significance. Algorithms developed to predict the effect of missense changes on protein structure and function are either unavailable or do not agree on the potential impact of this missense change (SIFT: "Deleterious"; PolyPhen-2: "Not Available"; Align-GVGD: "Class C0"). This variant is present in population databases (rs753374541, gnomAD 0.03%). This sequence change replaces histidine, which is basic and polar, with tyrosine, which is neutral and polar, at codon 122 of the RIN2 protein (p.His122Tyr).

NM_018993.4(RIN2):c.364C>T (p.His122Tyr)

Gene: RIN2 (Ras and Rab interactor 2; plus strand). Cytogenetic location: 20p11.23.
Variant type: single nucleotide variant.
Coding change: c.364C>T on transcript NM_018993.4 (MANE Select); coding-DNA position 364, C replaced by T.
Protein change: p.His122Tyr; replaces histidine 122 with tyrosine.
Molecular consequence: missense variant. On other transcripts: 5 prime UTR variant (1).
Genome position (GRCh38, 1-based): chr20:19,960,712, C>T. VCF-style: chr20-19960712-C-T. GRCh37 (hg19) VCF-style: chr20-19941356-C-T.
Other names: c.511C>T, p.His171Tyr (NM_001242581.2); c.-182C>T (NM_001378238.1); c.364C>T (NM_018993.3); short protein forms H171Y, H122Y.
Identifiers: ClinVar variation 1989250 (VCV001989250.3), dbSNP rs753374541, ClinGen allele CA9779808.